The following is an entry in ClinVar:

ClinVar aggregate classification (germline): Likely pathogenic. Review status: criteria provided, multiple submitters, no conflicts (2 of 4 stars). 3 submissions from 3 submitters: Likely pathogenic (2). 1 of the submissions does not count toward it. Last evaluated 2023-04-24.

Conditions:
Retinitis pigmentosa 39 (RP39). Identifiers: Orphanet 791, MedGen C3151138, MONDO:0013436, OMIM 613809.
Retinal dystrophy. Also called: Inherited retinal dystrophy. Identifiers: Orphanet 71862, MedGen C0854723, MeSH D058499, MONDO:0019118, HP:0000556.

Allele frequency attached by ClinVar (database versions not stated): gnomAD exomes below 0.00001.
gnomAD v4.1: 1 of 1,613,056 alleles (0.000062%); highest among the groups gnomAD compares: Non-Finnish European, 0.000085%; no homozygotes.

Submissions (3):

Baylor Genetics
Classification: Likely pathogenic for Retinitis pigmentosa 39. Last evaluated: 2023-04-24. Review status: criteria provided, single submitter. Criteria: ACMG Guidelines, 2015. Collection method: clinical testing. Allele origin: unknown.

Labcorp Genetics (formerly Invitae), Labcorp
Classification: Likely pathogenic. Last evaluated: 2022-02-03. Review status: criteria provided, single submitter. Criteria: Invitae Variant Classification Sherloc (09022015). Collection method: clinical testing. Allele origin: germline.
Comment: ClinVar contains an entry for this variant (Variation ID: 1067516). In summary, the currently available evidence indicates that the variant is pathogenic, but additional data are needed to prove that conclusively. Therefore, this variant has been classified as Likely Pathogenic. Algorithms developed to predict the effect of sequence changes on RNA splicing suggest that this variant may disrupt the consensus splice site. This variant has not been reported in the literature in individuals affected with USH2A-related conditions. This variant is not present in population databases (gnomAD no frequency). This sequence change affects a donor splice site in intron 5 of the USH2A gene. It is expected to disrupt RNA splicing. Variants that disrupt the donor or acceptor splice site typically lead to a loss of protein function (PMID: 16199547), and loss-of-function variants in USH2A are known to be pathogenic (PMID: 10729113, 10909849, 20507924, 25649381).

Institute of Human Genetics, Univ. Regensburg, Univ. Regensburg
Classification: Likely pathogenic for Retinal dystrophy. Last evaluated: 2022-01-01. Review status: no assertion criteria provided. Criteria: ACMG Guidelines, 2015. Collection method: clinical testing. Allele origin: germline. Affected: yes. Not counted in ClinVar's aggregate classification.

Literature cited by the submitters: PubMed 16199547 (cited by Labcorp Genetics (formerly Invitae), Labcorp); PubMed 10729113 (cited by Labcorp Genetics (formerly Invitae), Labcorp); PubMed 10909849 (cited by Labcorp Genetics (formerly Invitae), Labcorp); PubMed 20507924 (cited by Labcorp Genetics (formerly Invitae), Labcorp); PubMed 25649381 (cited by Labcorp Genetics (formerly Invitae), Labcorp).

NM_206933.4(USH2A):c.848+1G>T

Gene: USH2A (usherin; minus strand). Cytogenetic location: 1q41.
Variant type: single nucleotide variant.
Coding change: c.848+1G>T on transcript NM_206933.4 (MANE Select); the canonical splice donor site of the intron after coding-DNA position 848, G replaced by T.
Molecular consequence: splice donor variant.
Genome position (GRCh38, 1-based): chr1:216,327,590, C>A on the plus strand (G>T on the coding strand, the complement: USH2A is on the minus strand). VCF-style: chr1-216327590-C-A. GRCh37 (hg19) VCF-style: chr1-216500932-C-A.
Other names: c.848+1G>T (NM_007123.6).
Identifiers: ClinVar variation 1067516 (VCV001067516.9), dbSNP rs2102658764, ClinGen allele CA344912795.
Genomic context (GRCh38, chr1:216,327,590, plus strand): 5'-TTAAGTGAATTCAGCATTTATCCTTTCGGTTCTTGAGGTTTACAATGCAACATCTGCTTA[C>A]CTGTTTGTAAGTGCCACTTGGTATAATCGAAAATCTTGCATTCTTCCGACAAACTGCTCT-3'